The following is an entry in ClinVar:

NM_005419.4(STAT2):c.1642C>T (p.Pro548Ser)

Gene: STAT2 (signal transducer and activator of transcription 2; minus strand). Cytogenetic location: 12q13.3.
Variant type: single nucleotide variant.
Coding change: c.1642C>T on transcript NM_005419.4 (MANE Select); coding-DNA position 1642, C replaced by T.
Protein change: p.Pro548Ser; replaces proline 548 with serine.
Molecular consequence: missense variant.
Genome position (GRCh38, 1-based): chr12:56,348,611, G>A on the plus strand (C>T on the coding strand, the complement: STAT2 is on the minus strand). VCF-style: chr12-56348611-G-A. GRCh37 (hg19) VCF-style: chr12-56742395-G-A.
Other names: c.1609C>T, p.Pro537Ser (NM_001385110.1); c.1543C>T, p.Pro515Ser (NM_001385111.1); c.1642C>T, p.Pro548Ser (NM_001385113.1); c.1621C>T, p.Pro541Ser (NM_001385114.1); c.1600C>T, p.Pro534Ser (NM_001385115.1); c.1630C>T, p.Pro544Ser (NM_198332.2); c.1642C>T (NM_005419.3); short protein forms P515S, P534S, P537S, P541S, P544S, P548S.
Identifiers: ClinVar variation 2418389 (VCV002418389.6), dbSNP rs769498084, ClinGen allele CA6630440.

ClinVar aggregate classification (germline): Uncertain significance. Review status: criteria provided, multiple submitters, no conflicts (2 of 4 stars). 2 submissions from 2 submitters: Uncertain significance (2). Last evaluated 2025-12-01.

Conditions:
Primary immunodeficiency with post-measles-mumps-rubella vaccine viral infection. Also called: Immunodeficiency 44. Identifiers: Orphanet 431166, MedGen C4225260, MONDO:0014715, OMIM 616636.
Inborn genetic diseases. Identifiers: MedGen C0950123, MeSH D030342.

Allele frequency attached by ClinVar (database versions not stated): gnomAD exomes below 0.00001; ExAC 0.00001; TOPMed 0.00006; gnomAD 0.00009.
gnomAD v4.1: 15 of 1,614,064 alleles (0.00093%); highest among the groups gnomAD compares: African/African-American, 0.02%; no homozygotes.

Submissions (2):

Labcorp Genetics (formerly Invitae), Labcorp
Classification: Uncertain significance for Primary immunodeficiency with post-measles-mumps-rubella vaccine viral infection. Last evaluated: 2025-12-01. Review status: criteria provided, single submitter. Criteria: Invitae Variant Classification Sherloc (09022015). Collection method: clinical testing. Allele origin: germline.
Comment: This sequence change replaces proline, which is neutral and non-polar, with serine, which is neutral and polar, at codon 548 of the STAT2 protein (p.Pro548Ser). This variant is present in population databases (rs769498084, gnomAD 0.01%). This variant has not been reported in the literature in individuals affected with STAT2-related conditions. ClinVar contains an entry for this variant (Variation ID: 2418389). Invitae Evidence Modeling of protein sequence and biophysical properties (such as structural, functional, and spatial information, amino acid conservation, physicochemical variation, residue mobility, and thermodynamic stability) indicates that this missense variant is expected to disrupt STAT2 protein function with a positive predictive value of 80%. In summary, the available evidence is currently insufficient to determine the role of this variant in disease. Therefore, it has been classified as a Variant of Uncertain Significance.

Ambry Genetics
Classification: Uncertain significance for Inborn genetic diseases. Last evaluated: 2025-06-03. Review status: criteria provided, single submitter. Criteria: Ambry Variant Classification Scheme 2023. Collection method: clinical testing. Allele origin: germline.